The following is an entry in ClinVar:

NM_014225.6(PPP2R1A):c.1604A>G (p.Asn535Ser)

Genes: PPP2R1A (protein phosphatase 2 scaffold subunit Aalpha; plus strand), LOC126862924 (BRD4-independent group 4 enhancer GRCh37_chr19:52724813-52726012; plus strand). Cytogenetic location: 19q13.41.
Variant type: single nucleotide variant.
Coding change: c.1604A>G on transcript NM_014225.6 (MANE Select); coding-DNA position 1604, A replaced by G.
Protein change: p.Asn535Ser; replaces asparagine 535 with serine.
Molecular consequence: missense variant. On other transcripts: non-coding transcript variant (1).
Genome position (GRCh38, 1-based): chr19:52,222,184, A>G. VCF-style: chr19-52222184-A-G. GRCh37 (hg19) VCF-style: chr19-52725437-A-G.
Other names: c.1067A>G, p.Asn356Ser (NM_001363656.2); short protein forms N356S, N535S.
Identifiers: ClinVar variation 3342915 (VCV003342915.1).
Genomic context (GRCh38, chr19:52,222,184, plus strand): 5'-ACATCACCACCAAGCACATGCTACCCACGGTTCTGCGCATGGCTGGGGACCCGGTTGCCA[A>G]TGTCCGCTTCAATGTGGCCAAGTCTCTGCAGAAGATAGGGCCCATCCTGGACAACAGGTG-3'
Protein context (NP_055040.2, residues 525-545): VLRMAGDPVA[Asn535Ser]VRFNVAKSLQ

ClinVar aggregate classification (germline): Uncertain significance (1 of 4 stars; one submission).

gnomAD v4.1: 2 of 1,614,182 alleles (0.00012%); highest among the groups gnomAD compares: Non-Finnish European, 0.00017%; no homozygotes.

Submission:

GeneDx
Classification: Uncertain significance. Last evaluated: 2023-03-24. Review status: criteria provided, single submitter. Criteria: GeneDx Variant Classification Process June 2021. Collection method: clinical testing. Allele origin: germline. Affected: yes.
Comment: Not observed at significant frequency in large population cohorts (gnomAD); In silico analysis supports that this missense variant has a deleterious effect on protein structure/function; Has not been previously published as pathogenic or benign to our knowledge